The following is an entry in ClinVar:

ClinVar aggregate classification (germline): Uncertain significance (1 of 4 stars; one submission).

Conditions:
Hereditary sensory and autonomic neuropathy type 7. Also called: HSAN VII; Neuropathy, hereditary sensory and autonomic, type VII. Identifiers: Orphanet 391397, MedGen C3809882, MONDO:0014244, OMIM 615548.
Familial episodic pain syndrome with predominantly lower limb involvement. Also called: Episodic pain syndrome, familial, 3. Identifiers: Orphanet 391384, Orphanet 391392, MedGen C3809899, MONDO:0014247, OMIM 615552.

gnomAD v4.1: 5 of 1,609,050 alleles (0.00031%); highest among the groups gnomAD compares: Non-Finnish European, 0.00042%; no homozygotes.

Submission:

Labcorp Genetics (formerly Invitae), Labcorp
Classification: Uncertain significance for Familial episodic pain syndrome with predominantly lower limb involvement; Hereditary sensory and autonomic neuropathy type 7. Last evaluated: 2024-03-07. Review status: criteria provided, single submitter. Criteria: Invitae Variant Classification Sherloc (09022015). Collection method: clinical testing. Allele origin: germline.
Comment: This sequence change replaces phenylalanine, which is neutral and non-polar, with leucine, which is neutral and non-polar, at codon 678 of the SCN11A protein (p.Phe678Leu). This variant is present in population databases (no rsID available, gnomAD 0.007%). This variant has not been reported in the literature in individuals affected with SCN11A-related conditions. Advanced modeling of protein sequence and biophysical properties (such as structural, functional, and spatial information, amino acid conservation, physicochemical variation, residue mobility, and thermodynamic stability) performed at Invitae indicates that this missense variant is not expected to disrupt SCN11A protein function with a negative predictive value of 80%. In summary, the available evidence is currently insufficient to determine the role of this variant in disease. Therefore, it has been classified as a Variant of Uncertain Significance.

NM_001349253.2(SCN11A):c.2034C>G (p.Phe678Leu)

Gene: SCN11A (sodium voltage-gated channel alpha subunit 11; minus strand). Cytogenetic location: 3p22.2.
Variant type: single nucleotide variant.
Coding change: c.2034C>G on transcript NM_001349253.2 (MANE Select); coding-DNA position 2034, C replaced by G.
Protein change: p.Phe678Leu; replaces phenylalanine 678 with leucine.
Molecular consequence: missense variant.
Genome position (GRCh38, 1-based): chr3:38,897,214, G>C on the plus strand (C>G on the coding strand, the complement: SCN11A is on the minus strand). VCF-style: chr3-38897214-G-C. GRCh37 (hg19) VCF-style: chr3-38938705-G-C.
Other names: c.2034C>G, p.Phe678Leu (NM_014139.3); short protein forms F678L.
Identifiers: ClinVar variation 3753857 (VCV003753857.2).